The following is an entry in ClinVar:

NM_005465.7(AKT3):c.948+3A>G

Gene: AKT3 (AKT serine/threonine kinase 3; minus strand). Cytogenetic location: 1q44.
Variant type: single nucleotide variant.
Coding change: c.948+3A>G on transcript NM_005465.7 (MANE Select); 3 bases into the intron after coding-DNA position 948, A replaced by G.
Molecular consequence: intron variant.
Genome position (GRCh38, 1-based): chr1:243,563,717, T>C on the plus strand (A>G on the coding strand, the complement: AKT3 is on the minus strand). VCF-style: chr1-243563717-T-C. GRCh37 (hg19) VCF-style: chr1-243727019-T-C.
Other names: c.948+3A>G (NM_181690.2, NM_001370074.1, NM_001206729.2).
Identifiers: ClinVar variation 1347707 (VCV001347707.6), dbSNP rs2148488034, ClinGen allele CA2573132971.
Genomic context (GRCh38, chr1:243,563,717, plus strand): 5'-AATGGTTTACTTTGCAAATCATTATGTCAATGTTACTTTCCTATTAATGGAACCGAAGCC[T>C]ACCTCTGGTGCCAGATATTCTGGAGTGCCACAGAATGTCTTCATGGTGGCTGCATCTGTG-3'

ClinVar aggregate classification (germline): Uncertain significance (1 of 4 stars; one submission).

Conditions:
Megalencephaly-polymicrogyria-polydactyly-hydrocephalus syndrome 2 (MPPH2). Also called: MEGALENCEPHALY-POLYMICROGYRIA-POLYDACTYLY-HYDROCEPHALUS SYNDROME 2, SOMATIC. Identifiers: Orphanet 83473, MedGen C4014738, MONDO:0014407, OMIM 615937.

gnomAD v4.1: 1 of 1,599,252 alleles (0.000063%); highest among the groups gnomAD compares: South Asian, 0.0011%; no homozygotes.

Submission:

Labcorp Genetics (formerly Invitae), Labcorp
Classification: Uncertain significance for Megalencephaly-polymicrogyria-polydactyly-hydrocephalus syndrome 2. Last evaluated: 2022-02-09. Review status: criteria provided, single submitter. Criteria: Invitae Variant Classification Sherloc (09022015). Collection method: clinical testing. Allele origin: germline.
Comment: Variants that disrupt the consensus splice site are a relatively common cause of aberrant splicing (PMID: 17576681, 9536098). Algorithms developed to predict the effect of sequence changes on RNA splicing suggest that this variant may disrupt the consensus splice site. In summary, the available evidence is currently insufficient to determine the role of this variant in disease. Therefore, it has been classified as a Variant of Uncertain Significance. This variant has not been reported in the literature in individuals affected with AKT3-related conditions. This variant is not present in population databases (gnomAD no frequency). This sequence change falls in intron 9 of the AKT3 gene. It does not directly change the encoded amino acid sequence of the AKT3 protein. It affects a nucleotide within the consensus splice site.

Literature cited by the submitters: PubMed 17576681; PubMed 9536098.